The following is an entry in ClinVar:

NM_014822.4(SEC24D):c.1421+9A>G

Gene: SEC24D (SEC24 homolog D, COPII component; minus strand). Cytogenetic location: 4q26.
Variant type: single nucleotide variant.
Coding change: c.1421+9A>G on transcript NM_014822.4 (MANE Select); 9 bases into the intron after coding-DNA position 1421, A replaced by G.
Molecular consequence: intron variant.
Genome position (GRCh38, 1-based): chr4:118,757,712, T>C on the plus strand (A>G on the coding strand, the complement: SEC24D is on the minus strand). VCF-style: chr4-118757712-T-C. GRCh37 (hg19) VCF-style: chr4-119678867-T-C.
Other names: c.1424+9A>G (NM_001318066.2).
Identifiers: ClinVar variation 4977312 (VCV004977312.1).

ClinVar aggregate classification (germline): Likely benign (1 of 4 stars; one submission).

Conditions:
SEC24D-related disorder. Also called: SEC24D-related condition.

gnomAD v4.1: 1 of 1,604,998 alleles (0.000062%); highest among the groups gnomAD compares: Non-Finnish European, 0.000085%; no homozygotes.

Submission:

PreventionGenetics, part of Exact Sciences
Classification: Likely benign for SEC24D-related condition. Last evaluated: 2026-05-12. Review status: criteria provided, single submitter. Criteria: ACMG Guidelines, 2015. Collection method: clinical testing. Allele origin: germline.
Comment: This variant is classified as likely benign based on ACMG/AMP sequence variant interpretation guidelines (Richards et al. 2015 PMID: 25741868, with internal and published modifications).